The following is an entry in ClinVar:

ClinVar aggregate classification (germline): Likely pathogenic (1 of 4 stars; one submission).

Submission:

GeneDx
Classification: Likely pathogenic. Last evaluated: 2017-04-17. Review status: criteria provided, single submitter. Criteria: GeneDx Variant Classification (06012015). Collection method: clinical testing. Allele origin: germline. Affected: yes.
Comment: The c.3278-5C>G variant in the IQSEC2 gene has not been reported previously as a pathogenic variant nor as a benign variant, to our knowledge. In-silico splice prediction models are inconsistent in the predictions as to whether or not the variant affects splicing. However, in the absence of RNA/functional studies, the actual effect of the c.3278-5C>G change in this individual is unknown. The c.3278-5C>G variant is not observed in large population cohorts (Lek et al., 2016; 1000 Genomes Consortium et al., 2015; Exome Variant Server). We interpret c.3278-5C>G as a likely pathogenic variant.

NM_001111125.3(IQSEC2):c.3278-5C>G

Gene: IQSEC2 (IQ motif and Sec7 domain ArfGEF 2; minus strand). Cytogenetic location: Xp11.22.
Variant type: single nucleotide variant.
Coding change: c.3278-5C>G on transcript NM_001111125.3 (MANE Select); 5 bases into the intron before coding-DNA position 3278, C replaced by G.
Molecular consequence: intron variant.
Genome position (GRCh38, 1-based): chrX:53,236,500, G>C on the plus strand (C>G on the coding strand, the complement: IQSEC2 is on the minus strand). VCF-style: chrX-53236500-G-C. GRCh37 (hg19) VCF-style: chrX-53265682-G-C.
Other names: c.2663-5C>G (NM_015075.2).
Identifiers: ClinVar variation 426448 (VCV000426448.2), dbSNP rs1085307630, ClinGen allele CA645294130.
Genomic context (GRCh38, chrX:53,236,500, plus strand): 5'-CCCTCCAGGCTGTGAGGCGTTAGGCCGCATCATACCTTTCTGCTTCTCCAGCTCCGCTGG[G>C]TGGCAGTCGGGGAGACAGGGAGCAAAGGTCAGGAACAGGAGTGAGAGCCCATCTGACTGA-3'